The following is an entry in ClinVar:

NM_005245.4(FAT1):c.13753C>T (p.His4585Tyr)

Genes: FAT1 (FAT atypical cadherin 1; minus strand), LOC126807253 (BRD4-independent group 4 enhancer GRCh37_chr4:187509297-187510496; plus strand). Cytogenetic location: 4q35.2.
Variant type: single nucleotide variant.
Coding change: c.13753C>T on transcript NM_005245.4 (MANE Select); coding-DNA position 13753, C replaced by T.
Protein change: p.His4585Tyr; replaces histidine 4585 with tyrosine.
Molecular consequence: missense variant.
Genome position (GRCh38, 1-based): chr4:186,588,606, G>A on the plus strand (C>T on the coding strand, the complement: FAT1 is on the minus strand). VCF-style: chr4-186588606-G-A. GRCh37 (hg19) VCF-style: chr4-187509760-G-A.
Other names: c.13753C>T, p.His4585Tyr (NM_001440455.1); c.13789C>T, p.His4597Tyr (NM_001440456.1, NM_001440457.1); short protein forms H4585Y, H4597Y.
Identifiers: ClinVar variation 4988135 (VCV004988135.1).

ClinVar aggregate classification (germline): Likely benign (1 of 4 stars; one submission).

Conditions:
FAT1-related disorder. Also called: FAT1-related condition.

gnomAD v4.1: 106 of 1,611,506 alleles (0.0066%); highest among the groups gnomAD compares: African/African-American, 0.13%; no homozygotes.

Submission:

PreventionGenetics, part of Exact Sciences
Classification: Likely benign for FAT1-related condition. Last evaluated: 2026-06-29. Review status: criteria provided, single submitter. Criteria: ACMG Guidelines, 2015. Collection method: clinical testing. Allele origin: germline.
Comment: This variant is classified as likely benign based on ACMG/AMP sequence variant interpretation guidelines (Richards et al. 2015 PMID: 25741868, with internal and published modifications).